The following is an entry in ClinVar:

NM_001365536.1(SCN9A):c.1076C>G (p.Thr359Ser)

Genes: SCN1A-AS1 (SCN1A and SCN9A antisense RNA 1; plus strand), SCN9A (sodium voltage-gated channel alpha subunit 9; minus strand). Cytogenetic location: 2q24.3.
Variant type: single nucleotide variant.
Coding change: c.1076C>G on transcript NM_001365536.1 (MANE Select); coding-DNA position 1076, C replaced by G.
Protein change: p.Thr359Ser; replaces threonine 359 with serine.
Molecular consequence: missense variant.
Genome position (GRCh38, 1-based): chr2:166,293,262, G>C on the plus strand (C>G on the coding strand, the complement: SCN9A is on the minus strand). VCF-style: chr2-166293262-G-C. GRCh37 (hg19) VCF-style: chr2-167149772-G-C.
Other names: c.1076C>G, p.Thr359Ser (NM_002977.4); short protein forms T359S.
Identifiers: ClinVar variation 2951773 (VCV002951773.3), dbSNP rs746657869, ClinGen allele CA349088884.

ClinVar aggregate classification (germline): Uncertain significance (1 of 4 stars; one submission).

Conditions:
Neuropathy, hereditary sensory and autonomic, type 2A (HSAN2A). Also called: ACROOSTEOLYSIS, GIACCAI TYPE; ACROOSTEOLYSIS, NEUROGENIC; MORVAN DISEASE; NEUROPATHY, CONGENITAL SENSORY; NEUROPATHY, HEREDITARY SENSORY RADICULAR, AUTOSOMAL RECESSIVE; NEUROPATHY, HEREDITARY SENSORY, TYPE IIA. Identifiers: Orphanet 970, MedGen C2752089, MONDO:0024309, OMIM 201300.
Generalized epilepsy with febrile seizures plus, type 7 (GEFSP7). Also called: GEFS+, TYPE 7. Identifiers: Orphanet 36387, MedGen C2751778, MONDO:0013470, OMIM 613863.

Submission:

Labcorp Genetics (formerly Invitae), Labcorp
Classification: Uncertain significance for Neuropathy, hereditary sensory and autonomic, type 2A; Generalized epilepsy with febrile seizures plus, type 7. Last evaluated: 2023-09-25. Review status: criteria provided, single submitter. Criteria: Invitae Variant Classification Sherloc (09022015). Collection method: clinical testing. Allele origin: germline.
Comment: In summary, the available evidence is currently insufficient to determine the role of this variant in disease. Therefore, it has been classified as a Variant of Uncertain Significance. Advanced modeling of protein sequence and biophysical properties (such as structural, functional, and spatial information, amino acid conservation, physicochemical variation, residue mobility, and thermodynamic stability) has been performed at Invitae for this missense variant, however the output from this modeling did not meet the statistical confidence thresholds required to predict the impact of this variant on SCN9A protein function. This variant has not been reported in the literature in individuals affected with SCN9A-related conditions. This variant is not present in population databases (gnomAD no frequency). This sequence change replaces threonine, which is neutral and polar, with serine, which is neutral and polar, at codon 359 of the SCN9A protein (p.Thr359Ser).